The following is an entry in ClinVar:

NM_001458.5(FLNC):c.6607C>T (p.Arg2203Cys)

Genes: FLNC (filamin C; plus strand), FLNC-AS1 (FLNC antisense RNA 1; minus strand). Cytogenetic location: 7q32.1.
Variant type: single nucleotide variant.
Coding change: c.6607C>T on transcript NM_001458.5 (MANE Select); coding-DNA position 6607, C replaced by T.
Protein change: p.Arg2203Cys; replaces arginine 2203 with cysteine.
Molecular consequence: missense variant.
Genome position (GRCh38, 1-based): chr7:128,854,096, C>T. VCF-style: chr7-128854096-C-T. GRCh37 (hg19) VCF-style: chr7-128494150-C-T.
Other names: c.6508C>T, p.Arg2170Cys (NM_001127487.2); short protein forms R2170C, R2203C.
Identifiers: ClinVar variation 855272 (VCV000855272.20), dbSNP rs758838323, ClinGen allele CA4476030.
Genomic context (GRCh38, chr7:128,854,096, plus strand): 5'-CACACCTACACCCGCACGGAGCGCACGGAGATCAGCAAGACGCGGGGCGGGGAGACAAAG[C>T]GCGAGGTGCGGGTGGAGGAGTCCACCCAGGTCGGCGGGGACCCCTTCCCTGCTGTGTTTG-3'
Protein context (NP_001449.3, residues 2193-2213): ISKTRGGETK[Arg2203Cys]EVRVEESTQV

ClinVar aggregate classification (germline): Uncertain significance. Review status: criteria provided, multiple submitters, no conflicts (2 of 4 stars). 6 submissions from 6 submitters: Uncertain significance (6). Last evaluated 2026-09-21.

Conditions:
FLNC-related disorder. Also called: FLNC-related condition; FLNC-related disorders.
Distal myopathy with posterior leg and anterior hand involvement. Also called: WILLIAMS DISTAL MYOPATHY. Identifiers: Orphanet 63273, MedGen C3279722, MONDO:0013550, OMIM 614065.
Hypertrophic cardiomyopathy 26. Also called: Cardiomyopathy, familial hypertrophic, 26. Identifiers: Orphanet 75249, MedGen C4310749, MONDO:0014883, OMIM 617047.
Myofibrillar myopathy 5. Also called: Filaminopathy (type); FILAMINOPATHY, AUTOSOMAL DOMINANT. Identifiers: Orphanet 171445, MedGen C1836050, MONDO:0012289, OMIM 609524.
Cardiovascular phenotype. Identifiers: MedGen CN230736.

Allele frequency attached by ClinVar (database versions not stated): ExAC 0.00001; gnomAD exomes 0.00001; TOPMed 0.00001; gnomAD 0.00001.
gnomAD v4.1: 18 of 1,612,886 alleles (0.0011%); highest among the groups gnomAD compares: Non-Finnish European, 0.0014%; no homozygotes.

Submissions (7):

Molecular Diagnostic Laboratory for Inherited Cardiovascular Disease, Montreal Heart Institute
Classification: Uncertain significance for Cardiovascular phenotype. Last evaluated: 2026-09-21. Review status: criteria provided, single submitter. Criteria: ACMG Guidelines, 2015. Collection method: clinical testing. Allele origin: germline. Affected: yes.
Comment: PM2

Ambry Genetics
Classification: Uncertain significance for Cardiovascular phenotype. Last evaluated: 2026-05-19. Review status: criteria provided, single submitter. Criteria: Ambry Variant Classification Scheme 2023. Collection method: clinical testing. Allele origin: germline.

Labcorp Genetics (formerly Invitae), Labcorp
Classification: Uncertain significance for Distal myopathy with posterior leg and anterior hand involvement; Myofibrillar myopathy 5; Hypertrophic cardiomyopathy 26. Last evaluated: 2025-09-21. Review status: criteria provided, single submitter. Criteria: Invitae Variant Classification Sherloc (09022015). Collection method: clinical testing. Allele origin: germline.
Comment: This sequence change replaces arginine, which is basic and polar, with cysteine, which is neutral and slightly polar, at codon 2203 of the FLNC protein (p.Arg2203Cys). This variant is present in population databases (rs758838323, gnomAD 0.002%). This variant has not been reported in the literature in individuals affected with FLNC-related conditions. ClinVar contains an entry for this variant (Variation ID: 855272). An algorithm developed to predict the effect of missense changes on protein structure and function (PolyPhen-2) suggests that this variant is likely to be disruptive. In summary, the available evidence is currently insufficient to determine the role of this variant in disease. Therefore, it has been classified as a Variant of Uncertain Significance.

PreventionGenetics, part of Exact Sciences
Classification: Uncertain significance for FLNC-related condition. Last evaluated: 2025-07-17. Review status: criteria provided, single submitter. Criteria: ACMG Guidelines, 2015. Collection method: clinical testing. Allele origin: germline.
Comment: The FLNC c.6607C>T variant is predicted to result in the amino acid substitution p.Arg2203Cys. This variant has been reported as a variant of uncertain significance in an individual referred for cardiomyopathy and/or arrhythmia genetic testing; however, detailed clinical information was not available (Supplement 2, Dellefave-Castillo et al. 2022. PubMed ID: 35947370). This variant is reported in 0.0024% of alleles in individuals of European (Non-Finnish) descent in gnomAD. At this time, the clinical significance of this variant is uncertain due to the absence of conclusive functional and genetic evidence.

Revvity Omics, Revvity
Classification: Uncertain significance. Last evaluated: 2021-10-11. Review status: criteria provided, single submitter. Criteria: ACMG Guidelines, 2015. Collection method: clinical testing. Allele origin: germline.

GeneDx
Classification: Uncertain significance. Last evaluated: 2018-12-03. Review status: criteria provided, single submitter. Criteria: GeneDx Variant Classification Process June 2021. Collection method: clinical testing. Allele origin: germline. Affected: yes.
Comment: Not observed at a significant frequency in large population cohorts (Lek et al., 2016); In silico analysis, which includes protein predictors and evolutionary conservation, supports that this variant does not alter protein structure/function; Has not been previously published as pathogenic or benign to our knowledge

Dr. Peter K. Rogan Lab, Western University
No classification provided (evidence only). Condition: Gastric cancer. Review status: no classification provided. Collection method: in vitro. Allele origin: not applicable. Functional consequence: retained intron. Not counted in ClinVar's aggregate classification.